The following is an entry in ClinVar:

NM_004999.4(MYO6):c.733T>G (p.Tyr245Asp)

Gene: MYO6 (myosin VI; plus strand). Cytogenetic location: 6q14.1.
Variant type: single nucleotide variant.
Coding change: c.733T>G on transcript NM_004999.4 (MANE Select); coding-DNA position 733, T replaced by G.
Protein change: p.Tyr245Asp; replaces tyrosine 245 with aspartic acid.
Molecular consequence: missense variant. On other transcripts: non-coding transcript variant (2).
Genome position (GRCh38, 1-based): chr6:75,841,295, T>G. VCF-style: chr6-75841295-T-G. GRCh37 (hg19) VCF-style: chr6-76551012-T-G.
Other names: c.733T>G, p.Tyr245Asp (NM_001300899.2, NM_001368136.1, NM_001368137.1 and 4 more transcripts); c.718T>G, p.Tyr240Asp (NM_001368138.1); short protein forms Y240D, Y245D.
Identifiers: ClinVar variation 5037757 (VCV005037757.1).

ClinVar aggregate classification (germline): VUS-mid (1 of 4 stars; one submission).

Conditions:
Autosomal recessive nonsyndromic hearing loss 37. Identifiers: Orphanet 90636, MedGen C1843028, MONDO:0011912, OMIM 607821.

Submission:

Dr. Oladnabi Research Group, Golestan University of Medical Sciences
Classification: VUS-mid for Autosomal recessive nonsyndromic hearing loss 37. Review status: criteria provided, single submitter. Criteria: ACMG Guidelines, 2015. Collection method: clinical testing. Allele origin: germline. Inheritance: Autosomal recessive inheritance. Affected: yes. Observed: 1 variant allele, 1 homozygote.
Comment: The MYO6 variant (NM_004999.4: c.733T>G) has been identified in the context of autosomal recessive deafness type 37 (DFNB37). According to ACMG guidelines, this variant is currently classified as a Variant of Uncertain Significance (VUS), supported by PM2 (Moderate)—as the variant is absent or extremely rare in large population databases such as gnomAD—and PP3_Strong—based on multiple computational lines of evidence predicting a deleterious effect on the encoded protein.

Literature cited by the submitters: PubMed 12687499.